The following is an entry in ClinVar:

ClinVar aggregate classification (germline): Likely benign (1 of 4 stars; one submission).

Allele frequency attached by ClinVar (database versions not stated): gnomAD exomes 0.00003; ExAC 0.00006; gnomAD 0.00025; TOPMed 0.00030; ESP Exome Variant Server 0.00031.
gnomAD v4.1: 78 of 1,607,188 alleles (0.0049%); highest among the groups gnomAD compares: African/African-American, 0.08%; no homozygotes.

Submission:

CeGaT Center for Human Genetics Tuebingen
Classification: Likely benign. Last evaluated: 2022-05-01. Review status: criteria provided, single submitter. Criteria: CeGaT Center For Human Genetics Tuebingen Variant Classification Criteria Version 2. Collection method: clinical testing. Allele origin: germline. Affected: yes. Observed: 1 variant allele.
Comment: PRDM15: BP4, BP7

NM_001040424.3(PRDM15):c.318C>T (p.Phe106=)

Genes: PRDM15 (PR/SET domain 15; minus strand), LOC126653386 (CDK7 strongly-dependent group 2 enhancer GRCh37_chr21:43274198-43275397; plus strand). Cytogenetic location: 21q22.3.
Variant type: single nucleotide variant.
Coding change: c.318C>T on transcript NM_001040424.3 (MANE Select); coding-DNA position 318, C replaced by T.
Protein change: p.Phe106=; no amino-acid change (phenylalanine 106 retained).
Molecular consequence: synonymous variant. On other transcripts: non-coding transcript variant (4).
Genome position (GRCh38, 1-based): chr21:41,854,786, G>A on the plus strand (C>T on the coding strand, the complement: PRDM15 is on the minus strand). VCF-style: chr21-41854786-G-A. GRCh37 (hg19) VCF-style: chr21-43274895-G-A.
Other names: c.318C>T, p.Phe106= (NM_001282934.2); c.516C>T, p.Phe172= (NM_022115.7).
Identifiers: ClinVar variation 2652691 (VCV002652691.24), dbSNP rs141612018, ClinGen allele CA10037076.